The following is an entry in ClinVar:

ClinVar aggregate classification (germline): Likely benign (1 of 4 stars; one submission).

gnomAD v4.1: 235 of 1,613,942 alleles (0.015%); highest among the groups gnomAD compares: Non-Finnish European, 0.018%; 1 homozygote.

Submission:

CeGaT Center for Human Genetics Tuebingen
Classification: Likely benign. Last evaluated: 2025-12-01. Review status: criteria provided, single submitter. Criteria: CeGaT Center For Human Genetics Tuebingen Variant Classification Criteria Version 2. Collection method: clinical testing. Allele origin: germline. Affected: yes. Observed: 1 variant allele.
Comment: NUP54: BP4, BP7

NM_017426.4(NUP54):c.1248G>A (p.Thr416=)

Gene: NUP54 (nucleoporin 54; minus strand). Cytogenetic location: 4q21.1.
Variant type: single nucleotide variant.
Coding change: c.1248G>A on transcript NM_017426.4 (MANE Select); coding-DNA position 1248, G replaced by A.
Protein change: p.Thr416=; no amino-acid change (threonine 416 retained).
Molecular consequence: synonymous variant. On other transcripts: non-coding transcript variant (3).
Genome position (GRCh38, 1-based): chr4:76,118,111, C>T on the plus strand (G>A on the coding strand, the complement: NUP54 is on the minus strand). VCF-style: chr4-76118111-C-T. GRCh37 (hg19) VCF-style: chr4-77039264-C-T.
Other names: c.1104G>A, p.Thr368= (NM_001278603.2).
Identifiers: ClinVar variation 4820819 (VCV004820819.4).